The following is an entry in ClinVar:

ClinVar aggregate classification (germline): Uncertain significance. Review status: criteria provided, multiple submitters, no conflicts (2 of 4 stars). 2 submissions from 2 submitters: Uncertain significance (2). Last evaluated 2024-07-10.

Allele frequency attached by ClinVar (database versions not stated): TOPMed below 0.00001.
gnomAD v4.1: 2 of 1,613,860 alleles (0.00012%); highest among the groups gnomAD compares: Non-Finnish European, 0.00017%; no homozygotes.

Submissions (2):

Blueprint Genetics
Classification: Uncertain significance. Last evaluated: 2024-07-10. Review status: criteria provided, single submitter. Criteria: ACMG Guidelines, 2015. Collection method: clinical testing. Allele origin: germline.

Labcorp Genetics (formerly Invitae), Labcorp
Classification: Uncertain significance. Last evaluated: 2023-08-04. Review status: criteria provided, single submitter. Criteria: Invitae Variant Classification Sherloc (09022015). Collection method: clinical testing. Allele origin: germline.
Comment: ClinVar contains an entry for this variant (Variation ID: 1969714). Advanced modeling of protein sequence and biophysical properties (such as structural, functional, and spatial information, amino acid conservation, physicochemical variation, residue mobility, and thermodynamic stability) has been performed at Invitae for this missense variant, however the output from this modeling did not meet the statistical confidence thresholds required to predict the impact of this variant on MYH3 protein function. In summary, the available evidence is currently insufficient to determine the role of this variant in disease. Therefore, it has been classified as a Variant of Uncertain Significance. This sequence change replaces isoleucine, which is neutral and non-polar, with threonine, which is neutral and polar, at codon 158 of the MYH3 protein (p.Ile158Thr). This variant is not present in population databases (gnomAD no frequency). This variant has not been reported in the literature in individuals affected with MYH3-related conditions.

NM_002470.4(MYH3):c.473T>C (p.Ile158Thr)

Gene: MYH3 (myosin heavy chain 3; minus strand). Cytogenetic location: 17p13.1.
Variant type: single nucleotide variant.
Coding change: c.473T>C on transcript NM_002470.4 (MANE Select); coding-DNA position 473, T replaced by C.
Protein change: p.Ile158Thr; replaces isoleucine 158 with threonine.
Molecular consequence: missense variant.
Genome position (GRCh38, 1-based): chr17:10,651,544, A>G on the plus strand (T>C on the coding strand, the complement: MYH3 is on the minus strand). VCF-style: chr17-10651544-A-G. GRCh37 (hg19) VCF-style: chr17-10554861-A-G.
Other names: short protein forms I158T.
Identifiers: ClinVar variation 1969714 (VCV001969714.6), dbSNP rs768265932, ClinGen allele CA398114637.